The following is an entry in ClinVar:

ClinVar aggregate classification (germline): Uncertain significance (1 of 4 stars; one submission).

gnomAD v4.1: 2 of 1,613,686 alleles (0.00012%); highest among the groups gnomAD compares: Non-Finnish European, 0.00017%; no homozygotes.

Submission:

Ambry Genetics
Classification: Uncertain significance. Last evaluated: 2026-03-14. Review status: criteria provided, single submitter. Criteria: Ambry Variant Classification Scheme 2023. Collection method: clinical testing. Allele origin: germline.
Comment: The p.A679T variant (also known as c.2035G>A), located in coding exon 20 of the KIF1B gene, results from a G to A substitution at nucleotide position 2035. The alanine at codon 679 is replaced by threonine, an amino acid with similar properties. This amino acid position is conserved. In addition, the in silico prediction for this alteration is inconclusive. Based on the available evidence, the clinical significance of this variant remains unclear.

NM_001365951.3(KIF1B):c.2173G>A (p.Ala725Thr)

Gene: KIF1B (kinesin family member 1B; plus strand). Cytogenetic location: 1p36.22.
Variant type: single nucleotide variant.
Coding change: c.2173G>A on transcript NM_001365951.3 (MANE Select); coding-DNA position 2173, G replaced by A.
Protein change: p.Ala725Thr; replaces alanine 725 with threonine.
Molecular consequence: missense variant.
Genome position (GRCh38, 1-based): chr1:10,320,100, G>A. VCF-style: chr1-10320100-G-A. GRCh37 (hg19) VCF-style: chr1-10380158-G-A.
Other names: c.2173G>A, p.Ala725Thr (NM_001365952.1); c.2035G>A, p.Ala679Thr (NM_015074.3); short protein forms A679T, A725T.
Identifiers: ClinVar variation 4826101 (VCV004826101.1).